The following is an entry in ClinVar:

ClinVar aggregate classification (germline): Uncertain significance (1 of 4 stars; one submission).

Conditions:
PHGDH deficiency. Identifiers: Orphanet 79351, MedGen C1866174, MONDO:0011152, OMIM 601815.

Submission:

Labcorp Genetics (formerly Invitae), Labcorp
Classification: Uncertain significance for PHGDH deficiency. Last evaluated: 2022-08-09. Review status: criteria provided, single submitter. Criteria: Invitae Variant Classification Sherloc (09022015). Collection method: clinical testing. Allele origin: germline.
Comment: This sequence change replaces glycine, which is neutral and non-polar, with arginine, which is basic and polar, at codon 450 of the PHGDH protein (p.Gly450Arg). This variant is not present in population databases (gnomAD no frequency). In summary, the available evidence is currently insufficient to determine the role of this variant in disease. Therefore, it has been classified as a Variant of Uncertain Significance. Algorithms developed to predict the effect of missense changes on protein structure and function (SIFT, PolyPhen-2, Align-GVGD) all suggest that this variant is likely to be tolerated. This variant has not been reported in the literature in individuals affected with PHGDH-related conditions.

NM_006623.4(PHGDH):c.1348G>A (p.Gly450Arg)

Gene: PHGDH (phosphoglycerate dehydrogenase; plus strand). Cytogenetic location: 1p12.
Variant type: single nucleotide variant.
Coding change: c.1348G>A on transcript NM_006623.4 (MANE Select); coding-DNA position 1348, G replaced by A.
Protein change: p.Gly450Arg; replaces glycine 450 with arginine.
Molecular consequence: missense variant.
Genome position (GRCh38, 1-based): chr1:119,742,945, G>A. VCF-style: chr1-119742945-G-A. GRCh37 (hg19) VCF-style: chr1-120285568-G-A.
Other names: short protein forms G450R.
Identifiers: ClinVar variation 1715925 (VCV001715925.5), dbSNP rs2464204090, ClinGen allele CA341853760.